The following is an entry in ClinVar:

NM_001267550.2(TTN):c.45802_45803del (p.Asp15268fs)

Gene: TTN (titin; minus strand). Cytogenetic location: 2q31.2.
Variant type: Microsatellite.
Coding change: c.45802_45803del on transcript NM_001267550.2 (MANE Select); coding-DNA positions 45802 to 45803, 2 bases deleted (GA; older notation c.45802_45803delGA).
Protein change: p.Asp15268fs; shifts the reading frame from aspartic acid 15268.
Molecular consequence: frameshift variant.
Genome position (GRCh38, 1-based): chr2:178,620,807-178,620,808, TC deleted on the plus strand (GA on the coding strand, the reverse complement: TTN is on the minus strand); deleting any 2 consecutive bases within chr2:178,620,807-178,620,811 gives the same sequence; the c. name uses the placement nearest the transcript's 3' end. VCF-style (leftmost placement, unchanged base first): chr2-178620806-ATC-A. GRCh37 (hg19) VCF-style: chr2-179485533-ATC-A.
Other names: c.40879_40880del, p.Asp13627fs (NM_001256850.1); c.18607_18608del, p.Asp6203fs (NM_003319.4); c.38098_38099del, p.Asp12700fs (NM_133378.4); c.18982_18983del, p.Asp6328fs (NM_133432.3); c.19183_19184del, p.Asp6395fs (NM_133437.4); c.18607_18608delGA (NM_003319.4); short protein forms D6395fs, D13627fs, D6203fs, D6328fs, D12700fs, D15268fs.
Identifiers: ClinVar variation 3184660 (VCV003184660.1), dbSNP rs2471019114, ClinGen allele CA2825001037.

ClinVar aggregate classification (germline): Likely pathogenic (1 of 4 stars; one submission).

Conditions:
Cardiovascular phenotype. Identifiers: MedGen CN230736.

Submission:

Ambry Genetics
Classification: Likely pathogenic for Cardiovascular phenotype. Last evaluated: 2023-12-28. Review status: criteria provided, single submitter. Criteria: Ambry Variant Classification Scheme 2023. Collection method: clinical testing. Allele origin: germline.
Comment: The c.18607_18608delGA (p.D6203Cfs*5) alteration, located in exon 75 (coding exon 74) of the TTN gene, consists of a deletion of 2 nucleotides from position 18607 to 18608, causing a translational frameshift with a predicted alternate stop codon after 5 amino acids. This alteration is expected to result in loss of function by premature protein truncation or nonsense-mediated mRNA decay. This variant was not reported in population-based cohorts in the Genome Aggregation Database (gnomAD). Based on the available evidence, this alteration is classified as likely pathogenic.